The following is an entry in ClinVar:

ClinVar aggregate classification (germline): Uncertain significance (1 of 4 stars; one submission).

Conditions:
Spastic paraplegia. Identifiers: MedGen C0037772, HP:0001258.

Allele frequency attached by ClinVar (database versions not stated): ExAC 0.00002; gnomAD exomes 0.00003 and 0.00004; ESP Exome Variant Server 0.00008.
gnomAD v4.1: 49 of 1,614,002 alleles (0.003%); highest among the groups gnomAD compares: Non-Finnish European, 0.004%; no homozygotes.

Submission:

Labcorp Genetics (formerly Invitae), Labcorp
Classification: Uncertain significance for Spastic paraplegia. Last evaluated: 2025-01-02. Review status: criteria provided, single submitter. Criteria: Invitae Variant Classification Sherloc (09022015). Collection method: clinical testing. Allele origin: germline.
Comment: This sequence change replaces phenylalanine, which is neutral and non-polar, with tyrosine, which is neutral and polar, at codon 434 of the GBA2 protein (p.Phe434Tyr). This variant is present in population databases (rs372379752, gnomAD 0.006%). This variant has not been reported in the literature in individuals affected with GBA2-related conditions. ClinVar contains an entry for this variant (Variation ID: 1364222). Invitae Evidence Modeling of protein sequence and biophysical properties (such as structural, functional, and spatial information, amino acid conservation, physicochemical variation, residue mobility, and thermodynamic stability) indicates that this missense variant is not expected to disrupt GBA2 protein function with a negative predictive value of 80%. In summary, the available evidence is currently insufficient to determine the role of this variant in disease. Therefore, it has been classified as a Variant of Uncertain Significance.

NM_020944.3(GBA2):c.1301T>A (p.Phe434Tyr)

Gene: GBA2 (glucosylceramidase beta 2; minus strand). Cytogenetic location: 9p13.3.
Variant type: single nucleotide variant.
Coding change: c.1301T>A on transcript NM_020944.3 (MANE Select); coding-DNA position 1301, T replaced by A.
Protein change: p.Phe434Tyr; replaces phenylalanine 434 with tyrosine.
Molecular consequence: missense variant.
Genome position (GRCh38, 1-based): chr9:35,740,106, A>T on the plus strand (T>A on the coding strand, the complement: GBA2 is on the minus strand). VCF-style: chr9-35740106-A-T. GRCh37 (hg19) VCF-style: chr9-35740103-A-T.
Other names: c.1301T>A, p.Phe434Tyr (NM_001330660.2); short protein forms F434Y.
Identifiers: ClinVar variation 1364222 (VCV001364222.4), dbSNP rs372379752, ClinGen allele CA5050448.